The following is an entry in ClinVar:

ClinVar aggregate classification (germline): Likely benign. Review status: criteria provided, single submitter (1 of 4 stars). 2 submissions from 2 submitters: Likely benign (1). 1 of the submissions does not count toward it. Last evaluated 2025-08-11.

Conditions:
Epidermolysis bullosa simplex 5B, with muscular dystrophy (EBS5B). Also called: EPIDERMOLYSIS BULLOSA SIMPLEX AND LIMB-GIRDLE MUSCULAR DYSTROPHY; Epidermolysis bullosa simplex with muscular dystrophy. Identifiers: Orphanet 257, MedGen C2931072, MONDO:0009181, OMIM 226670.
Autosomal recessive limb-girdle muscular dystrophy type 2Q (LGMDR17). Also called: MUSCULAR DYSTROPHY, LIMB-GIRDLE, AUTOSOMAL RECESSIVE 17. Identifiers: Orphanet 254361, MedGen C3150989, MONDO:0013390, OMIM 613723.
Epidermolysis bullosa simplex with nail dystrophy (EBS5D). Identifiers: MedGen C4225309, MONDO:0014661, OMIM 616487.
Epidermolysis bullosa simplex, Ogna type (EBS5A). Also called: Pidermolysis bullosa simplex 5A, Ogna type; EPIDERMOLYSIS BULLOSA SIMPLEX 5A, OGNA TYPE. Identifiers: Orphanet 79401, MedGen C0432317, MONDO:0007555, OMIM 131950.
Epidermolysis bullosa simplex 5C, with pyloric atresia (EBS5C). Also called: PLEC-Related Epidermolysis Bullosa with Pyloric Atresia; Epidermolysis bullosa simplex with pyloric atresia; PLEC1-Related Epidermolysis Bullosa with Pyloric Atresia. Identifiers: Orphanet 158684, MedGen C2677349, MONDO:0012807, OMIM 612138.
PLEC-related disorder. Also called: PLEC-related disorders; PLEC-related condition.

Allele frequency attached by ClinVar (database versions not stated): gnomAD 0.00005; TOPMed 0.00005; ExAC 0.00013.
gnomAD v4.1: 80 of 1,596,692 alleles (0.005%); highest among the groups gnomAD compares: Middle Eastern, 0.066%; no homozygotes.

Submissions (2):

Labcorp Genetics (formerly Invitae), Labcorp
Classification: Likely benign for Autosomal recessive limb-girdle muscular dystrophy type 2Q; Epidermolysis bullosa simplex, Ogna type; Epidermolysis bullosa simplex with nail dystrophy; Epidermolysis bullosa simplex 5C, with pyloric atresia; Epidermolysis bullosa simplex 5B, with muscular dystrophy. Last evaluated: 2025-08-11. Review status: criteria provided, single submitter. Criteria: Invitae Variant Classification Sherloc (09022015). Collection method: clinical testing. Allele origin: germline.

PreventionGenetics, part of Exact Sciences
Classification: Likely benign for PLEC-related condition. Last evaluated: 2019-09-19. Review status: no assertion criteria provided. Collection method: clinical testing. Allele origin: germline. Not counted in ClinVar's aggregate classification.
Comment: This variant is classified as likely benign based on ACMG/AMP sequence variant interpretation guidelines (Richards et al. 2015 PMID: 25741868, with internal and published modifications).

NM_201384.3(PLEC):c.5562C>T (p.Ile1854=)

Gene: PLEC (plectin; minus strand). Cytogenetic location: 8q24.3.
Variant type: single nucleotide variant.
Coding change: c.5562C>T on transcript NM_201384.3 (MANE Select); coding-DNA position 5562, C replaced by T.
Protein change: p.Ile1854=; no amino-acid change (isoleucine 1854 retained).
Molecular consequence: synonymous variant.
Genome position (GRCh38, 1-based): chr8:143,924,367, G>A on the plus strand (C>T on the coding strand, the complement: PLEC is on the minus strand). VCF-style: chr8-143924367-G-A. GRCh37 (hg19) VCF-style: chr8-144998535-G-A.
Other names: c.5643C>T, p.Ile1881= (NM_000445.5); c.5520C>T, p.Ile1840= (NM_201378.4); c.5496C>T, p.Ile1832= (NM_201379.3); c.5973C>T, p.Ile1991= (NM_201380.4); c.5466C>T, p.Ile1822= (NM_201381.3); c.5562C>T, p.Ile1854= (NM_201382.4); c.5574C>T, p.Ile1858= (NM_201383.3).
Identifiers: ClinVar variation 755261 (VCV000755261.9), dbSNP rs782000075, ClinGen allele CA4926325.
Genomic context (GRCh38, chr8:143,924,367, plus strand): 5'-GGCCTCGTCCTCCGCCAGCCGCCGCAGGCGCTCGTTCTCCGCCTCCTTCTCCTTGAGCGC[G>A]ATCTCCGCCTCCGTCTTGAGCCGCGTGGCCTCGCCGATGGCGGCCAGCTTCTCCGCAAGC-3'
Protein context (NP_958786.1, residues 1844-1864): EATRLKTEAE[Ile1854=]ALKEKEAENE